The following is an entry in ClinVar:

NM_001308319.2(CHD9):c.5213A>G (p.Lys1738Arg)

Gene: CHD9 (chromodomain helicase DNA binding protein 9; plus strand). Cytogenetic location: 16q12.2.
Variant type: single nucleotide variant.
Coding change: c.5213A>G on transcript NM_001308319.2 (MANE Select); coding-DNA position 5213, A replaced by G.
Protein change: p.Lys1738Arg; replaces lysine 1738 with arginine.
Molecular consequence: missense variant.
Genome position (GRCh38, 1-based): chr16:53,287,980, A>G. VCF-style: chr16-53287980-A-G. GRCh37 (hg19) VCF-style: chr16-53321892-A-G.
Other names: c.5213A>G, p.Lys1738Arg (NM_001352127.3, NM_001382353.1, NM_025134.7); c.3791A>G, p.Lys1264Arg (NM_001352156.3, NM_001352157.3); c.3692A>G, p.Lys1231Arg (NM_001352158.3, NM_001382354.1, NM_001382355.1); short protein forms K1231R, K1264R, K1738R.
Identifiers: ClinVar variation 3234128 (VCV003234128.20), dbSNP rs61754093, ClinGen allele CA8055149.

ClinVar aggregate classification (germline): Likely benign (1 of 4 stars; one submission).

Allele frequency attached by ClinVar (database versions not stated): 1000 Genomes Project 0.00200; 1000 Genomes Project 30x 0.00219; ExAC 0.00273; gnomAD 0.00310; TOPMed 0.00318; ESP Exome Variant Server 0.00567.
gnomAD v4.1: 8,241 of 1,611,182 alleles (0.51%); highest among the groups gnomAD compares: Non-Finnish European, 0.64%; 30 homozygotes.

Submission:

CeGaT Center for Human Genetics Tuebingen
Classification: Likely benign. Last evaluated: 2024-04-01. Review status: criteria provided, single submitter. Criteria: CeGaT Center For Human Genetics Tuebingen Variant Classification Criteria Version 2. Collection method: clinical testing. Allele origin: germline. Affected: yes. Observed: 1 variant allele.
Comment: CHD9: BS1